The following is an entry in ClinVar:

NM_001253852.3(AP4B1):c.2101C>G (p.Pro701Ala)

Genes: AP4B1 (adaptor related protein complex 4 subunit beta 1; minus strand), AP4B1-AS1 (AP4B1 antisense RNA 1; plus strand). Cytogenetic location: 1p13.2.
Variant type: single nucleotide variant.
Coding change: c.2101C>G on transcript NM_001253852.3 (MANE Select); coding-DNA position 2101, C replaced by G.
Protein change: p.Pro701Ala; replaces proline 701 with alanine.
Molecular consequence: missense variant.
Genome position (GRCh38, 1-based): chr1:113,895,184, G>C on the plus strand (C>G on the coding strand, the complement: AP4B1 is on the minus strand). VCF-style: chr1-113895184-G-C. GRCh37 (hg19) VCF-style: chr1-114437806-G-C.
Other names: c.1804C>G, p.Pro602Ala (NM_001253853.3); c.1597C>G, p.Pro533Ala (NM_001308312.2, NM_001438376.1); c.1876C>G, p.Pro626Ala (NM_001437822.1); c.2101C>G, p.Pro701Ala (NM_001438373.1, NM_006594.5); c.1822C>G, p.Pro608Ala (NM_001438374.1); c.1789C>G, p.Pro597Ala (NM_001438375.1); c.1564C>G, p.Pro522Ala (NM_001438377.1); c.1510C>G, p.Pro504Ala (NM_001438378.1); and 1 more; short protein forms P429A, P504A, P522A, P533A, P597A, P602A, P608A, P626A.
Identifiers: ClinVar variation 4536654 (VCV004536654.1).

ClinVar aggregate classification (germline): Uncertain significance (1 of 4 stars; one submission).

Submission:

Women's Health and Genetics/Laboratory Corporation of America, LabCorp
Classification: Uncertain significance. Last evaluated: 2025-11-17. Review status: criteria provided, single submitter. Criteria: LabCorp Variant Classification Summary - May 2015. Collection method: clinical testing. Allele origin: germline.
Comment: Variant summary: AP4B1 c.2101C>G (p.Pro701Ala) results in a non-conservative amino acid change in the encoded protein sequence. Algorithms developed to predict the effect of missense changes on protein structure and function are either unavailable or do not agree on the potential impact of this missense change. The variant was absent in 251406 control chromosomes. The available data on variant occurrences in the general population are insufficient to allow any conclusion about variant significance. To our knowledge, no occurrence of c.2101C>G in individuals affected with AP4B1-related conditions and no experimental evidence demonstrating its impact on protein function have been reported. No submitters have cited clinical-significance assessments for this variant to ClinVar. Based on the evidence outlined above, the variant was classified as uncertain significance.